The following is an entry in ClinVar:

NM_000038.6(APC):c.2103G>T (p.Met701Ile)

Gene: APC (APC regulator of Wnt signaling pathway; plus strand). Cytogenetic location: 5q22.2.
Variant type: single nucleotide variant.
Coding change: c.2103G>T on transcript NM_000038.6 (MANE Select); coding-DNA position 2103, G replaced by T.
Protein change: p.Met701Ile; replaces methionine 701 with isoleucine.
Molecular consequence: missense variant.
Genome position (GRCh38, 1-based): chr5:112,837,697, G>T. VCF-style: chr5-112837697-G-T. GRCh37 (hg19) VCF-style: chr5-112173394-G-T.
Other names: c.2103G>T, p.Met701Ile (NM_001127510.3, NM_001354895.2); c.2049G>T, p.Met683Ile (NM_001127511.3); c.2157G>T, p.Met719Ile (NM_001354896.2); c.2133G>T, p.Met711Ile (NM_001354897.2); c.2028G>T, p.Met676Ile (NM_001354898.2); c.2019G>T, p.Met673Ile (NM_001354899.2); c.1980G>T, p.Met660Ile (NM_001354900.2); c.1926G>T, p.Met642Ile (NM_001354901.2); and 5 more; short protein forms M683I, M701I, M600I, M610I, M660I, M418I, M575I, M711I.
Identifiers: ClinVar variation 579287 (VCV000579287.15), dbSNP rs1276525166, ClinGen allele CA16025929.

ClinVar aggregate classification (germline): Uncertain significance. Review status: criteria provided, multiple submitters, no conflicts (2 of 4 stars). 2 submissions from 2 submitters: Uncertain significance (2). Last evaluated 2025-04-28.

Conditions:
Familial adenomatous polyposis 1 (FAP1). Also called: FAMILIAL ADENOMATOUS POLYPOSIS 1, ATTENUATED; POLYPOSIS, ADENOMATOUS INTESTINAL. Identifiers: MedGen C2713442, MONDO:0021056, OMIM 175100. Disease mechanism: loss of function.
Hereditary cancer-predisposing syndrome. Also called: Neoplastic Syndromes, Hereditary; Tumor predisposition; Hereditary neoplastic syndrome; Hereditary Cancer Syndrome. Identifiers: Orphanet 140162, MedGen C0027672, MeSH D009386, MONDO:0015356.

Allele frequency attached by ClinVar (database versions not stated): gnomAD 0.00001; TOPMed 0.00001.
gnomAD v4.1: 1 of 1,614,068 alleles (0.000062%); highest among the groups gnomAD compares: African/African-American, 0.0013%; no homozygotes.

Submissions (2):

Labcorp Genetics (formerly Invitae), Labcorp
Classification: Uncertain significance for Familial adenomatous polyposis 1. Last evaluated: 2025-04-28. Review status: criteria provided, single submitter. Criteria: Invitae Variant Classification Sherloc (09022015). Collection method: clinical testing. Allele origin: germline.
Comment: This sequence change replaces methionine, which is neutral and non-polar, with isoleucine, which is neutral and non-polar, at codon 701 of the APC protein (p.Met701Ile). This variant is present in population databases (no rsID available, gnomAD 0.01%). This variant has not been reported in the literature in individuals affected with APC-related conditions. ClinVar contains an entry for this variant (Variation ID: 579287). Invitae Evidence Modeling of protein sequence and biophysical properties (such as structural, functional, and spatial information, amino acid conservation, physicochemical variation, residue mobility, and thermodynamic stability) indicates that this missense variant is not expected to disrupt APC protein function with a negative predictive value of 95%. In summary, the available evidence is currently insufficient to determine the role of this variant in disease. Therefore, it has been classified as a Variant of Uncertain Significance.

Ambry Genetics
Classification: Uncertain significance for Hereditary cancer-predisposing syndrome. Last evaluated: 2024-04-28. Review status: criteria provided, single submitter. Criteria: Ambry Variant Classification Scheme 2023. Collection method: clinical testing. Allele origin: germline.
Comment: The p.M701I variant (also known as c.2103G>T), located in coding exon 15 of the APC gene, results from a G to T substitution at nucleotide position 2103. The methionine at codon 701 is replaced by isoleucine, an amino acid with highly similar properties. This amino acid position is well conserved in available vertebrate species. In addition, in silico predictors for this gene do not accurately predict pathogenicity. Since supporting evidence is limited at this time, the clinical significance of this alteration remains unclear.